The following is an entry in ClinVar:

ClinVar aggregate classification (germline): Conflicting classifications of pathogenicity. Review status: criteria provided, conflicting classifications (1 of 4 stars). 2 submissions from 2 submitters: Likely pathogenic (1); Uncertain significance (1). Last evaluated 2026-08-14.

Conditions:
Inborn genetic diseases. Identifiers: MedGen C0950123, MeSH D030342.
Microcephaly-intellectual disability-sensorineural hearing loss-epilepsy-abnormal muscle tone syndrome (NEDHSB). Also called: NEURODEVELOPMENTAL DISORDER WITH HEARING LOSS, SEIZURES, AND BRAIN ABNORMALITIES. Identifiers: Orphanet 457351, MedGen C4225276, MONDO:0014698, OMIM 616577.

Allele frequency attached by ClinVar (database versions not stated): gnomAD exomes below 0.00001.
gnomAD v4.1: 2 of 1,614,036 alleles (0.00012%); highest among the groups gnomAD compares: Admixed American, 0.0033%; no homozygotes.

Submissions (2):

Ambry Genetics
Classification: Uncertain significance for Inborn genetic diseases. Last evaluated: 2026-08-14. Review status: criteria provided, single submitter. Criteria: Ambry Variant Classification Scheme 2023. Collection method: clinical testing. Allele origin: germline.
Comment: The c.2075T>C (p.I692T) alteration is located in exon 11 (coding exon 11) of the SPATA5 gene. This alteration results from a T to C substitution at nucleotide position 2075, causing the isoleucine (I) at amino acid position 692 to be replaced by a threonine (T). Based on data from gnomAD, this allele has an overall frequency of <0.001% (1/251160) total alleles studied. The highest observed frequency was 0.003% (1/34566) of Latino alleles. This variant has been identified in the homozygous state and/or in conjunction with other SPATA5 variant(s) in individual(s) with features consistent with SPATA5-related neurodevelopmental disorder; in at least one instance, the variants were identified in trans (external communication). This amino acid position is not well conserved in available vertebrate species. This alteration is predicted to be deleterious by in silico analysis. Based on insufficient or conflicting evidence, the clinical significance of this alteration remains unclear.

Labcorp Genetics (formerly Invitae), Labcorp
Classification: Likely pathogenic for Microcephaly-intellectual disability-sensorineural hearing loss-epilepsy-abnormal muscle tone syndrome. Last evaluated: 2022-04-26. Review status: criteria provided, single submitter. Criteria: Invitae Variant Classification Sherloc (09022015). Collection method: clinical testing. Allele origin: germline.
Comment: Advanced modeling of protein sequence and biophysical properties (such as structural, functional, and spatial information, amino acid conservation, physicochemical variation, residue mobility, and thermodynamic stability) performed at Invitae indicates that this missense variant is expected to disrupt SPATA5 protein function. This sequence change replaces isoleucine, which is neutral and non-polar, with threonine, which is neutral and polar, at codon 692 of the SPATA5 protein (p.Ile692Thr). This variant is present in population databases (no rsID available, gnomAD 0.003%). This missense change has been observed in individual(s) with clinical features of SPATA5-related conditions (Invitae). In at least one individual the data is consistent with being in trans (on the opposite chromosome) from a pathogenic variant. ClinVar contains an entry for this variant (Variation ID: 1058706). In summary, the currently available evidence indicates that the variant is pathogenic, but additional data are needed to prove that conclusively. Therefore, this variant has been classified as Likely Pathogenic.

NM_145207.3(AFG2A):c.2075T>C (p.Ile692Thr)

Gene: AFG2A (AAA ATPase AFG2A; plus strand). Cytogenetic location: 4q28.1.
Variant type: single nucleotide variant.
Coding change: c.2075T>C on transcript NM_145207.3 (MANE Select); coding-DNA position 2075, T replaced by C.
Protein change: p.Ile692Thr; replaces isoleucine 692 with threonine.
Molecular consequence: missense variant.
Genome position (GRCh38, 1-based): chr4:123,028,391, T>C. VCF-style: chr4-123028391-T-C. GRCh37 (hg19) VCF-style: chr4-123949546-T-C.
Other names: c.2075T>C (NM_145207.2); c.2072T>C, p.Ile691Thr (NM_001317799.2, NM_001345856.2); short protein forms I691T, I692T.
Identifiers: ClinVar variation 1058706 (VCV001058706.4), dbSNP rs1408362205, ClinGen allele CA358102990.